The following is an entry in ClinVar:

ClinVar aggregate classification (germline): Uncertain significance (1 of 4 stars; one submission).

gnomAD v4.1: 2 of 1,600,812 alleles (0.00012%); highest among the groups gnomAD compares: Non-Finnish European, 0.00017%; no homozygotes.

Submission:

Labcorp Genetics (formerly Invitae), Labcorp
Classification: Uncertain significance. Last evaluated: 2024-09-12. Review status: criteria provided, single submitter. Criteria: Invitae Variant Classification Sherloc (09022015). Collection method: clinical testing. Allele origin: germline.
Comment: This sequence change replaces leucine, which is neutral and non-polar, with proline, which is neutral and non-polar, at codon 669 of the MYLK3 protein (p.Leu669Pro). This variant is not present in population databases (gnomAD no frequency). This variant has not been reported in the literature in individuals affected with MYLK3-related conditions. An algorithm developed to predict the effect of missense changes on protein structure and function (PolyPhen-2) suggests that this variant is likely to be disruptive. In summary, the available evidence is currently insufficient to determine the role of this variant in disease. Therefore, it has been classified as a Variant of Uncertain Significance.

NM_182493.3(MYLK3):c.2006T>C (p.Leu669Pro)

Gene: MYLK3 (myosin light chain kinase 3; minus strand). Cytogenetic location: 16q11.2.
Variant type: single nucleotide variant.
Coding change: c.2006T>C on transcript NM_182493.3 (MANE Select); coding-DNA position 2006, T replaced by C.
Protein change: p.Leu669Pro; replaces leucine 669 with proline.
Molecular consequence: missense variant.
Genome position (GRCh38, 1-based): chr16:46,712,756, A>G on the plus strand (T>C on the coding strand, the complement: MYLK3 is on the minus strand). VCF-style: chr16-46712756-A-G. GRCh37 (hg19) VCF-style: chr16-46746668-A-G.
Other names: c.983T>C, p.Leu328Pro (NM_001308301.1); short protein forms L328P, L669P.
Identifiers: ClinVar variation 3698384 (VCV003698384.2).